The following is an entry in ClinVar:

ClinVar aggregate classification (germline): Benign/Likely benign. Review status: criteria provided, multiple submitters, no conflicts (2 of 4 stars). 6 submissions from 6 submitters: Benign (1); Likely benign (3). 2 of the submissions do not count toward it. Last evaluated 2026-02-02.

Conditions:
Congenital microcephaly - severe encephalopathy - progressive cerebral atrophy syndrome. Also called: ASNS DEFICIENCY; Asparagine synthetase deficiency. Identifiers: Orphanet 391376, MedGen C3809971, MONDO:0014258, OMIM 615574.
ASNS-related disorder. Also called: ASNS-related condition.

Allele frequency attached by ClinVar (database versions not stated): gnomAD exomes 0.00018 and 0.00042; ExAC 0.00050; 1000 Genomes Project 0.00100; 1000 Genomes Project 30x 0.00125; ESP Exome Variant Server 0.00161; gnomAD 0.00187 and 0.00208; TOPMed 0.00200.
gnomAD v4.1: 548 of 1,614,146 alleles (0.034%); highest among the groups gnomAD compares: African/African-American, 0.67%; no homozygotes.

Submissions (6):

Labcorp Genetics (formerly Invitae), Labcorp
Classification: Benign. Last evaluated: 2026-02-02. Review status: criteria provided, single submitter. Criteria: Invitae Variant Classification Sherloc (09022015). Collection method: clinical testing. Allele origin: germline.

Blueprint Genetics
Classification: Likely benign. Last evaluated: 2024-08-28. Review status: criteria provided, single submitter. Criteria: ACMG Guidelines, 2015. Collection method: clinical testing. Allele origin: germline.

GeneDx
Classification: Likely benign. Last evaluated: 2020-10-23. Review status: criteria provided, single submitter. Criteria: GeneDx Variant Classification Process June 2021. Collection method: clinical testing. Allele origin: germline. Affected: yes.

Genetic Services Laboratory, University of Chicago
Classification: Likely benign. Last evaluated: 2017-07-06. Review status: criteria provided, single submitter. Criteria: ACMG Guidelines, 2015. Collection method: clinical testing. Allele origin: germline. Affected: no.

PreventionGenetics, part of Exact Sciences
Classification: Likely benign for ASNS-related condition. Last evaluated: 2021-04-02. Review status: no assertion criteria provided. Collection method: clinical testing. Allele origin: germline. Not counted in ClinVar's aggregate classification.
Comment: This variant is classified as likely benign based on ACMG/AMP sequence variant interpretation guidelines (Richards et al. 2015 PMID: 25741868, with internal and published modifications).

Natera, Inc.
Classification: Uncertain significance for Asparagine synthetase deficiency. Last evaluated: 2019-11-11. Review status: no assertion criteria provided. Collection method: clinical testing. Allele origin: germline. Not counted in ClinVar's aggregate classification.

NM_001673.5(ASNS):c.1587G>A (p.Arg529=)

Genes: ASNS (asparagine synthetase (glutamine-hydrolyzing); minus strand), CZ1P-ASNS (CZ1P-ASNS readthrough; minus strand). Cytogenetic location: 7q21.3.
Variant type: single nucleotide variant.
Coding change: c.1587G>A on transcript NM_001673.5 (MANE Select); coding-DNA position 1587, G replaced by A.
Protein change: p.Arg529=; no amino-acid change (arginine 529 retained).
Molecular consequence: synonymous variant. On other transcripts: non-coding transcript variant (1).
Genome position (GRCh38, 1-based): chr7:97,852,358, C>T on the plus strand (G>A on the coding strand, the complement: ASNS is on the minus strand). VCF-style: chr7-97852358-C-T. GRCh37 (hg19) VCF-style: chr7-97481670-C-T.
Other names: c.1587G>A, p.Arg529= (NM_133436.3, NM_001352496.2, NM_183356.4); c.1524G>A, p.Arg508= (NM_001178075.2); c.1338G>A, p.Arg446= (NM_001178076.2, NM_001178077.1).
Identifiers: ClinVar variation 728953 (VCV000728953.20), dbSNP rs140975053, ClinGen allele CA4354470.